The following is an entry in ClinVar:

ClinVar aggregate classification (germline): Likely benign. Review status: criteria provided, multiple submitters, no conflicts (2 of 4 stars). 4 submissions from 4 submitters: Likely benign (3). 1 of the submissions does not count toward it. Last evaluated 2025-04-11.

Conditions:
KCNK4-related disorder. Also called: KCNK4-related condition.

Allele frequency attached by ClinVar (database versions not stated): TOPMed 0.00004; gnomAD exomes 0.00007 and 0.00014; ExAC 0.00021.

Submissions (4):

Labcorp Genetics (formerly Invitae), Labcorp
Classification: Likely benign. Last evaluated: 2025-04-11. Review status: criteria provided, single submitter. Criteria: Invitae Variant Classification Sherloc (09022015). Collection method: clinical testing. Allele origin: germline.

CeGaT Center for Human Genetics Tuebingen
Classification: Likely benign. Last evaluated: 2022-11-01. Review status: criteria provided, single submitter. Criteria: CeGaT Center For Human Genetics Tuebingen Variant Classification Criteria Version 2. Collection method: clinical testing. Allele origin: germline. Affected: yes. Observed: 1 variant allele.
Comment: KCNK4: BP4, BP7

Breakthrough Genomics
Classification: Likely benign. Review status: criteria provided, single submitter. Criteria: ACMG Guidelines, 2015. Collection method: not provided. Allele origin: germline. Inheritance: Autosomal dominant inheritance. Affected: yes.

PreventionGenetics, part of Exact Sciences
Classification: Likely benign for KCNK4-related condition. Last evaluated: 2024-04-25. Review status: no assertion criteria provided. Collection method: clinical testing. Allele origin: germline. Not counted in ClinVar's aggregate classification.
Comment: This variant is classified as likely benign based on ACMG/AMP sequence variant interpretation guidelines (Richards et al. 2015 PMID: 25741868, with internal and published modifications).

NM_033310.3(KCNK4):c.1080G>C (p.Pro360=)

Genes: KCNK4 (potassium two pore domain channel subfamily K member 4; plus strand), KCNK4-CATSPERZ (KCNK4-CATSPERZ readthrough (NMD candidate); plus strand). Cytogenetic location: 11q13.1.
Variant type: single nucleotide variant.
Coding change: c.1080G>C on transcript NM_033310.3 (MANE Select); coding-DNA position 1080, G replaced by C.
Protein change: p.Pro360=; no amino-acid change (proline 360 retained).
Molecular consequence: synonymous variant. On other transcripts: non-coding transcript variant (3).
Genome position (GRCh38, 1-based): chr11:64,299,624, G>C. VCF-style: chr11-64299624-G-C. GRCh37 (hg19) VCF-style: chr11-64067096-G-C.
Other names: c.1080G>C, p.Pro360= (NM_001317090.2); c.1080G>C (NM_033310.2).
Identifiers: ClinVar variation 1640888 (VCV001640888.33), dbSNP rs756537203, ClinGen allele CA6073249.